The following is an entry in ClinVar:

ClinVar aggregate classification (germline): Uncertain significance (1 of 4 stars; one submission).

Conditions:
Hereditary cancer-predisposing syndrome. Also called: Neoplastic Syndromes, Hereditary; Hereditary Cancer Syndrome; Hereditary neoplastic syndrome; Tumor predisposition. Identifiers: Orphanet 140162, MedGen C0027672, MeSH D009386, MONDO:0015356.

gnomAD v4.1: 1 of 1,613,372 alleles (0.000062%); highest among the groups gnomAD compares: Non-Finnish European, 0.000085%; no homozygotes.

Submission:

Ambry Genetics
Classification: Uncertain significance for Hereditary cancer-predisposing syndrome. Last evaluated: 2026-04-05. Review status: criteria provided, single submitter. Criteria: Ambry Variant Classification Scheme 2023. Collection method: clinical testing. Allele origin: germline.
Comment: The p.D198V variant (also known as c.593A>T), located in coding exon 3 of the FLCN gene, results from an A to T substitution at nucleotide position 593. The aspartic acid at codon 198 is replaced by valine, an amino acid with highly dissimilar properties. This amino acid position is conserved. In addition, the in silico prediction for this alteration is inconclusive. Based on the available evidence, the clinical significance of this variant remains unclear.

NM_144997.7(FLCN):c.593A>T (p.Asp198Val)

Gene: FLCN (folliculin; minus strand). Cytogenetic location: 17p11.2.
Variant type: single nucleotide variant.
Coding change: c.593A>T on transcript NM_144997.7 (MANE Select); coding-DNA position 593, A replaced by T.
Protein change: p.Asp198Val; replaces aspartic acid 198 with valine.
Molecular consequence: missense variant.
Genome position (GRCh38, 1-based): chr17:17,223,947, T>A on the plus strand (A>T on the coding strand, the complement: FLCN is on the minus strand). VCF-style: chr17-17223947-T-A. GRCh37 (hg19) VCF-style: chr17-17127261-T-A.
Other names: c.647A>T, p.Asp216Val (NM_001353229.2); c.593A>T, p.Asp198Val (NM_001353230.2, NM_001353231.2, NM_144606.7); short protein forms D198V, D216V.
Identifiers: ClinVar variation 4871365 (VCV004871365.1).